The following is an entry in ClinVar:

ClinVar aggregate classification (germline): Likely benign (1 of 4 stars; one submission).

gnomAD v4.1: 317 of 1,614,044 alleles (0.02%); highest among the groups gnomAD compares: Admixed American, 0.16%; 2 homozygotes.

Submission:

CeGaT Center for Human Genetics Tuebingen
Classification: Likely benign. Last evaluated: 2026-09-01. Review status: criteria provided, single submitter. Criteria: CeGaT Center For Human Genetics Tuebingen Variant Classification Criteria Version 2. Collection method: clinical testing. Allele origin: germline. Affected: yes. Observed: 1 variant allele.
Comment: WDR5: BP4, BP7, BS1

NM_017588.3(WDR5):c.222G>A (p.Ala74=)

Gene: WDR5 (WD repeat domain 5; plus strand). Cytogenetic location: 9q34.2.
Variant type: single nucleotide variant.
Coding change: c.222G>A on transcript NM_017588.3 (MANE Select); coding-DNA position 222, G replaced by A.
Protein change: p.Ala74=; no amino-acid change (alanine 74 retained).
Molecular consequence: synonymous variant. On other transcripts: intron variant (2).
Genome position (GRCh38, 1-based): chr9:134,141,541, G>A. VCF-style: chr9-134141541-G-A. GRCh37 (hg19) VCF-style: chr9-137006663-G-A.
Other names: c.222G>A, p.Ala74= (NM_001384409.1, NM_001384410.1, NM_001384411.1 and 7 more transcripts); c.191-463G>A (NM_001384418.1, NM_001384419.1).
Identifiers: ClinVar variation 5041078 (VCV005041078.1).